The following is an entry in ClinVar:

ClinVar aggregate classification (germline): Uncertain significance (1 of 4 stars; one submission).

gnomAD v4.1: 1 of 1,612,744 alleles (0.000062%); no homozygotes.

Submission:

Women's Health and Genetics/Laboratory Corporation of America, LabCorp
Classification: Uncertain significance. Last evaluated: 2026-02-05. Review status: criteria provided, single submitter. Criteria: LabCorp Variant Classification Summary - May 2015. Collection method: clinical testing. Allele origin: germline.
Comment: Variant summary: NOTCH3 c.2217G>C (p.Glu739Asp) results in a conservative amino acid change in the encoded protein sequence. Algorithms developed to predict the effect of missense changes on protein structure and function all suggest that this variant is likely to be tolerated. The variant was absent in 247104 control chromosomes. The available data on variant occurrences in the general population are insufficient to allow any conclusion about variant significance. To our knowledge, no occurrence of c.2217G>C in individuals affected with NOTCH3-related conditions and no experimental evidence demonstrating its impact on protein function have been reported. No submitters have cited clinical-significance assessments for this variant to ClinVar. Based on the evidence outlined above, the variant was classified as uncertain significance.

NM_000435.3(NOTCH3):c.2217G>C (p.Glu739Asp)

Gene: NOTCH3 (notch receptor 3; minus strand). Cytogenetic location: 19p13.12.
Variant type: single nucleotide variant.
Coding change: c.2217G>C on transcript NM_000435.3 (MANE Select); coding-DNA position 2217, G replaced by C.
Protein change: p.Glu739Asp; replaces glutamic acid 739 with aspartic acid.
Molecular consequence: missense variant.
Genome position (GRCh38, 1-based): chr19:15,185,336, C>G on the plus strand (G>C on the coding strand, the complement: NOTCH3 is on the minus strand). VCF-style: chr19-15185336-C-G. GRCh37 (hg19) VCF-style: chr19-15296147-C-G.
Other names: short protein forms E739D.
Identifiers: ClinVar variation 4848015 (VCV004848015.1).